The following is an entry in ClinVar:

ClinVar aggregate classification (germline): Pathogenic (1 of 4 stars; one submission).

Submission:

GeneDx
Classification: Pathogenic. Last evaluated: 2024-02-22. Review status: criteria provided, single submitter. Criteria: GeneDx Variant Classification Process June 2021. Collection method: clinical testing. Allele origin: germline. Affected: yes.
Comment: Nonsense variant predicted to result in protein truncation or nonsense mediated decay in a gene for which loss of function is a known mechanism of disease; Not observed at significant frequency in large population cohorts (gnomAD); This variant is associated with the following publications: (PMID: 30921766)

NM_000216.4(ANOS1):c.550del (p.Pro183_Leu184insTer)

Gene: ANOS1 (anosmin 1; minus strand). Cytogenetic location: Xp22.31.
Variant type: Deletion.
Coding change: c.550del on transcript NM_000216.4 (MANE Select); coding-DNA position 550, one base deleted (C; older notation c.550delC).
Protein change: p.Pro183_Leu184insTer.
Molecular consequence: nonsense.
Genome position (GRCh38, 1-based): chrX:8,587,970, G deleted on the plus strand (C on the coding strand, the reverse complement: ANOS1 is on the minus strand); the first of 5 consecutive G bases (chrX:8,587,970-8,587,974); deleting any one gives the same sequence. VCF-style (leftmost placement, unchanged base first): chrX-8587969-AG-A. GRCh37 (hg19) VCF-style: chrX-8556010-AG-A.
Identifiers: ClinVar variation 3369601 (VCV003369601.1).